The following is an entry in ClinVar:

NM_001242835.2(NDRG4):c.823C>T (p.Leu275=)

Gene: NDRG4 (NDRG family member 4; plus strand). Cytogenetic location: 16q21.
Variant type: single nucleotide variant.
Coding change: c.823C>T on transcript NM_001242835.2 (MANE Select); coding-DNA position 823, C replaced by T.
Protein change: p.Leu275=; no amino-acid change (leucine 275 retained).
Molecular consequence: synonymous variant. On other transcripts: non-coding transcript variant (1).
Genome position (GRCh38, 1-based): chr16:58,509,310, C>T. VCF-style: chr16-58509310-C-T. GRCh37 (hg19) VCF-style: chr16-58543214-C-T.
Other names: c.979C>T, p.Leu327= (NM_001130487.2, NM_001378336.1); c.913C>T, p.Leu305= (NM_001242833.2, NM_001378344.1); c.877C>T, p.Leu293= (NM_001242834.2, NM_001378347.1); c.823C>T, p.Leu275= (NM_001242836.2); c.658C>T, p.Leu220= (NM_001363869.2); c.1069C>T, p.Leu357= (NM_001378332.1, NM_001378334.1); c.1033C>T, p.Leu345= (NM_001378333.1, NM_001378335.1); c.1012C>T, p.Leu338= (NM_001378337.1); and 4 more.
Identifiers: ClinVar variation 3047935 (VCV003047935.2), dbSNP rs2543677629, ClinGen allele CA495800981.

ClinVar aggregate classification (germline): Likely benign (0 of 4 stars; one submission).

Conditions:
NDRG4-related disorder. Also called: NDRG4-related condition.

Submission:

PreventionGenetics, part of Exact Sciences
Classification: Likely benign for NDRG4-related condition. Last evaluated: 2019-03-25. Review status: no assertion criteria provided. Collection method: clinical testing. Allele origin: germline.
Comment: This variant is classified as likely benign based on ACMG/AMP sequence variant interpretation guidelines (Richards et al. 2015 PMID: 25741868, with internal and published modifications).